The following is an entry in ClinVar:

NM_001042492.3(NF1):c.3868A>G (p.Lys1290Glu)

Gene: NF1 (neurofibromin 1; plus strand). Cytogenetic location: 17q11.2.
Variant type: single nucleotide variant.
Coding change: c.3868A>G on transcript NM_001042492.3 (MANE Select); coding-DNA position 3868, A replaced by G.
Protein change: p.Lys1290Glu; replaces lysine 1290 with glutamic acid.
Molecular consequence: missense variant.
Genome position (GRCh38, 1-based): chr17:31,235,770, A>G. VCF-style: chr17-31235770-A-G. GRCh37 (hg19) VCF-style: chr17-29562788-A-G.
Other names: c.3868A>G, p.Lys1290Glu (NM_000267.4); short protein forms K1290E.
Identifiers: ClinVar variation 230355 (VCV000230355.3), dbSNP rs876658521, ClinGen allele CA10580298.

ClinVar aggregate classification (germline): Uncertain significance (1 of 4 stars; one submission).

Conditions:
Hereditary cancer-predisposing syndrome. Also called: Neoplastic Syndromes, Hereditary; Tumor predisposition; Hereditary Cancer Syndrome; Hereditary neoplastic syndrome. Identifiers: Orphanet 140162, MedGen C0027672, MeSH D009386, MONDO:0015356.

Allele frequency attached by ClinVar (database versions not stated): gnomAD exomes below 0.00001.
gnomAD v4.1: 2 of 1,614,070 alleles (0.00012%); highest among the groups gnomAD compares: Non-Finnish European, 0.00017%; no homozygotes.

Submission:

Ambry Genetics
Classification: Uncertain significance for Hereditary cancer-predisposing syndrome. Last evaluated: 2015-02-13. Review status: criteria provided, single submitter. Criteria: Ambry Autosomal Dominant and X-Linked criteria (10/2015). Collection method: clinical testing. Allele origin: germline. Observed: 1 variant allele.
Comment: Thep.K1290Evariant (also known as c.3868A>G), located in coding exon 28 of theNF1gene, results from an A to G substitution at nucleotide position 3868. The lysine at codon 1290 is replaced by glutamic acid, an amino acid with similar properties. This variant was not reported in population based cohorts in the following databases: Database of Single Nucleotide Polymorphisms (dbSNP), NHLBI Exome Sequencing Project (ESP), and 1000 Genomes Project. In the ESP, this variant was not observed in 6503 samples (13006 alleles) with coverage at this position. To date, this alteration has been detected with an allele frequency of approximately 0.003% (greater than 30000 alleles tested) in our clinical cohort. This amino acid position is highly conserved in available vertebrate species. In addition, this alteration is predicted to be possibly damaging and deleterious by PolyPhen and SIFTin silico analyses, respectively. Since supporting evidence is limited at this time, the clinical significance of p.K1290E remains unclear.